The following is an entry in ClinVar:

NM_020533.3(MCOLN1):c.1084G>T (p.Asp362Tyr)

Gene: MCOLN1 (mucolipin TRP cation channel 1; plus strand). Cytogenetic location: 19p13.2.
Variant type: single nucleotide variant.
Coding change: c.1084G>T on transcript NM_020533.3 (MANE Select); coding-DNA position 1084, G replaced by T.
Protein change: p.Asp362Tyr; replaces aspartic acid 362 with tyrosine.
Molecular consequence: missense variant.
Genome position (GRCh38, 1-based): chr19:7,528,920, G>T. VCF-style: chr19-7528920-G-T. GRCh37 (hg19) VCF-style: chr19-7593806-G-T.
Other names: short protein forms D362Y.
Identifiers: ClinVar variation 5135 (VCV000005135.31), dbSNP rs121908372, ClinGen allele CA340344.

ClinVar aggregate classification (germline): Pathogenic/Likely pathogenic. Review status: criteria provided, multiple submitters, no conflicts (2 of 4 stars). 11 submissions from 11 submitters: Pathogenic (3); Likely pathogenic (2). 6 of the submissions do not count toward it. Last evaluated 2025-05-27.

Conditions:
MCOLN1-related disorder. Also called: MCOLN1-related condition.
Mucolipidosis type IV (ML4). Also called: ML IV. Identifiers: Orphanet 578, MedGen C0238286, MONDO:0009653, OMIM 252650.
Lisch epithelial corneal dystrophy (LECD). Also called: BAND-SHAPED AND WHORLED MICROCYSTIC CORNEAL EPITHELIAL DYSTROPHY. Identifiers: Orphanet 98955, MedGen C2749050, MONDO:0010425, OMIM 620763.

Allele frequency attached by ClinVar (database versions not stated): gnomAD exomes 0.00001; TOPMed 0.00003; gnomAD 0.00004.
gnomAD v4.1: 57 of 1,613,996 alleles (0.0035%); highest among the groups gnomAD compares: Non-Finnish European, 0.0046%; no homozygotes.

Submissions (11):

Labcorp Genetics (formerly Invitae), Labcorp
Classification: Pathogenic for Mucolipidosis type IV. Last evaluated: 2025-05-27. Review status: criteria provided, single submitter. Criteria: Invitae Variant Classification Sherloc (09022015). Collection method: clinical testing. Allele origin: germline.
Comment: This sequence change replaces aspartic acid, which is acidic and polar, with tyrosine, which is neutral and polar, at codon 362 of the MCOLN1 protein (p.Asp362Tyr). This variant is present in population databases (rs121908372, gnomAD 0.002%). This missense change has been observed in individual(s) with mucolipidosis type IV (PMID: 11030752, 17239335; internal data). In at least one individual the data is consistent with being in trans (on the opposite chromosome) from a pathogenic variant. ClinVar contains an entry for this variant (Variation ID: 5135). Invitae Evidence Modeling of protein sequence and biophysical properties (such as structural, functional, and spatial information, amino acid conservation, physicochemical variation, residue mobility, and thermodynamic stability) indicates that this missense variant is expected to disrupt MCOLN1 protein function with a positive predictive value of 95%. Experimental studies have shown that this missense change affects MCOLN1 function (PMID: 14749347, 18794901, 22268962). For these reasons, this variant has been classified as Pathogenic.

Natera, Inc.
Classification: Likely pathogenic for Mucolipidosis type IV. Last evaluated: 2025-04-25. Review status: criteria provided, single submitter. Criteria: Natera Variant Classification Schema (03/2026). Collection method: clinical testing. Allele origin: germline.
Comment: The c.1084G>T variant in MCOLN1 is a missense variant predicted to cause substitution of aspartic acid to tyrosine at amino acid 362. This variant is rare in the general population with a frequency below the threshold expected for the associated phenotype(s). This variant has been observed in one or more individuals affected with the associated recessive disease, as either homozygous or compound heterozygous with a second variant (PMID: 17239335, 11030752). Functional studies show that this variant may disrupt protein function (PMID: 18794901, 15336987). Computational prediction algorithms indicate this variant is likely to affect gene or protein function. Given the available evidence, this variant is classified as Likely Pathogenic.

GeneDx
Classification: Pathogenic. Last evaluated: 2024-07-22. Review status: criteria provided, single submitter. Criteria: GeneDx Variant Classification Process June 2021. Collection method: clinical testing. Allele origin: germline. Affected: yes.
Comment: Published functional studies demonstrate a damaging effect as D362Y HEK cells completely eliminated iron transport relative to control HEK cells (PMID: 18794901); Not observed at significant frequency in large population cohorts (gnomAD); In silico analysis supports that this missense variant has a deleterious effect on protein structure/function; This variant is associated with the following publications: (PMID: 14749347, 12182165, 29019983, 20301393, 32604955, 21763169, 29019979, 27670435, 38532569, 22268962, 12125810, 17306511, 15336987, 16257972, 12403827, 19885840, 17239335, 11030752, 18326692, 18794901)

Fulgent Genetics
Classification: Likely pathogenic for Mucolipidosis type IV; Lisch epithelial corneal dystrophy. Last evaluated: 2024-04-05. Review status: criteria provided, single submitter. Criteria: ACMG Guidelines, 2015. Collection method: clinical testing. Allele origin: germline.

Eurofins Ntd Llc (ga)
Classification: Pathogenic. Last evaluated: 2018-03-14. Review status: criteria provided, single submitter. Criteria: EGL ClinVar v180209 classification definitions. Collection method: clinical testing. Allele origin: germline. Observed: 1 variant allele, 1 heterozygote.

PreventionGenetics, part of Exact Sciences
Classification: Pathogenic for MCOLN1-related condition. Last evaluated: 2023-11-27. Review status: no assertion criteria provided. Collection method: clinical testing. Allele origin: germline. Not counted in ClinVar's aggregate classification.
Comment: The MCOLN1 c.1084G>T variant is predicted to result in the amino acid substitution p.Asp362Tyr. This variant has been reported in individuals with mucolipidosis IV (Sun et al. 2000. PubMed ID: 11030752; Dobrovolny et al. 2006. PubMed ID: 17239335) In vitro functional studies demonstrate that expression of this variant affects MCOLN1 function and results in mislocalization of the MCOLN1 protein (Dong et al. 2008. PubMed ID: 18794901; Raychowdhury et al. 2004. PubMed ID: 14749347; Marks et al. 2012. PubMed ID: 22268962). This variant is reported in 0.0018% of alleles in individuals of European (non-Finnish) descent in gnomAD. This variant is interpreted as pathogenic.

Counsyl
Classification: Likely pathogenic for Ganglioside sialidase deficiency. Last evaluated: 2014-04-11. Review status: no assertion criteria provided. Collection method: literature only. Allele origin: unknown. Inheritance: Autosomal recessive inheritance. Not counted in ClinVar's aggregate classification.

OMIM
Classification: Pathogenic for MUCOLIPIDOSIS IV. Last evaluated: 2007-04-01. Review status: no assertion criteria provided. Collection method: literature only. Allele origin: germline. Not counted in ClinVar's aggregate classification.

GeneReviews
No classification provided. Condition: Mucolipidosis type IV. Review status: no classification provided. Collection method: literature only. Allele origin: germline. Not counted in ClinVar's aggregate classification.
Comment: Associated with slower progression of retinal disease and relatively mild neurologic phenotype.

Genome Diagnostics Laboratory, Amsterdam University Medical Center
Classification: Likely pathogenic. Review status: no assertion criteria provided. Collection method: clinical testing. Allele origin: germline. Affected: yes. Study: VKGL Data-share Consensus. Not counted in ClinVar's aggregate classification.

Joint Genome Diagnostic Labs from Nijmegen and Maastricht, Radboudumc and MUMC+
Classification: Pathogenic. Review status: no assertion criteria provided. Collection method: clinical testing. Allele origin: germline. Affected: yes. Study: VKGL Data-share Consensus. Not counted in ClinVar's aggregate classification.

Literature cited by the submitters: PubMed 11030752 (cited by 5 submitters); PubMed 17239335 (cited by 5 submitters); PubMed 14749347 (cited by 4 submitters); PubMed 18794901 (cited by 4 submitters); PubMed 22268962 (cited by 3 submitters); PubMed 15336987 (cited by Natera, Inc.); PubMed 12182165 (cited by Counsyl); NCBI Bookshelf NBK1214 (cited by GeneReviews).